The following is an entry in ClinVar:

NM_014795.4(ZEB2):c.2113T>A (p.Ser705Thr)

Gene: ZEB2 (zinc finger E-box binding homeobox 2; minus strand). Cytogenetic location: 2q22.3.
Variant type: single nucleotide variant.
Coding change: c.2113T>A on transcript NM_014795.4 (MANE Select); coding-DNA position 2113, T replaced by A.
Protein change: p.Ser705Thr; replaces serine 705 with threonine.
Molecular consequence: missense variant.
Genome position (GRCh38, 1-based): chr2:144,399,074, A>T on the plus strand (T>A on the coding strand, the complement: ZEB2 is on the minus strand). VCF-style: chr2-144399074-A-T. GRCh37 (hg19) VCF-style: chr2-145156641-A-T.
Other names: c.2041T>A, p.Ser681Thr (NM_001171653.2); short protein forms S705T, S681T.
Identifiers: ClinVar variation 1426431 (VCV001426431.8), dbSNP rs1361274533, ClinGen allele CA348709001.

ClinVar aggregate classification (germline): Uncertain significance (1 of 4 stars; one submission).

Conditions:
Mowat-Wilson syndrome (MOWS). Also called: Classic Mowat-Wilson Syndrome. Identifiers: Orphanet 2152, MedGen C1856113, MONDO:0009341, OMIM 235730.

Allele frequency attached by ClinVar (database versions not stated): gnomAD exomes 0.00001.
gnomAD v4.1: 12 of 1,614,034 alleles (0.00074%); highest among the groups gnomAD compares: Non-Finnish European, 0.001%; no homozygotes.

Submission:

Labcorp Genetics (formerly Invitae), Labcorp
Classification: Uncertain significance for Mowat-Wilson syndrome. Last evaluated: 2021-04-11. Review status: criteria provided, single submitter. Criteria: Invitae Variant Classification Sherloc (09022015). Collection method: clinical testing. Allele origin: germline.
Comment: In summary, the available evidence is currently insufficient to determine the role of this variant in disease. Therefore, it has been classified as a Variant of Uncertain Significance. Algorithms developed to predict the effect of missense changes on protein structure and function (SIFT, PolyPhen-2, Align-GVGD) all suggest that this variant is likely to be tolerated, but these predictions have not been confirmed by published functional studies and their clinical significance is uncertain. This variant has not been reported in the literature in individuals with ZEB2-related conditions. This variant is not present in population databases (ExAC no frequency). This sequence change replaces serine with threonine at codon 705 of the ZEB2 protein (p.Ser705Thr). The serine residue is moderately conserved and there is a small physicochemical difference between serine and threonine.